The following is an entry in ClinVar:

NM_032578.4(MYPN):c.3131G>T (p.Arg1044Leu)

Gene: MYPN (myopalladin; plus strand). Cytogenetic location: 10q21.3.
Variant type: single nucleotide variant.
Coding change: c.3131G>T on transcript NM_032578.4 (MANE Select); coding-DNA position 3131, G replaced by T.
Protein change: p.Arg1044Leu; replaces arginine 1044 with leucine.
Molecular consequence: missense variant. On other transcripts: non-coding transcript variant (2).
Genome position (GRCh38, 1-based): chr10:68,195,505, G>T. VCF-style: chr10-68195505-G-T. GRCh37 (hg19) VCF-style: chr10-69955262-G-T.
Other names: c.3131G>T, p.Arg1044Leu (NM_001256267.2); c.2249G>T, p.Arg750Leu (NM_001256268.2); c.3131G>T (NM_032578.2); short protein forms R750L, R1044L.
Identifiers: ClinVar variation 1981608 (VCV001981608.5), dbSNP rs142874859, ClinGen allele CA376857584.

ClinVar aggregate classification (germline): Uncertain significance. Review status: criteria provided, multiple submitters, no conflicts (2 of 4 stars). 2 submissions from 2 submitters: Uncertain significance (2). Last evaluated 2025-01-16.

Conditions:
Cardiovascular phenotype. Identifiers: MedGen CN230736.
Dilated cardiomyopathy 1KK (CMD1KK). Identifiers: Orphanet 154, Orphanet 75249, MedGen C3714995, MONDO:0014100, OMIM 615248.

gnomAD v4.1: 9 of 1,613,964 alleles (0.00056%); highest among the groups gnomAD compares: South Asian, 0.0088%; no homozygotes.

Submissions (2):

Ambry Genetics
Classification: Uncertain significance for Cardiovascular phenotype. Last evaluated: 2025-01-16. Review status: criteria provided, single submitter. Criteria: Ambry Variant Classification Scheme 2023. Collection method: clinical testing. Allele origin: germline.

Labcorp Genetics (formerly Invitae), Labcorp
Classification: Uncertain significance for Dilated cardiomyopathy 1KK. Last evaluated: 2022-01-26. Review status: criteria provided, single submitter. Criteria: Invitae Variant Classification Sherloc (09022015). Collection method: clinical testing. Allele origin: germline.
Comment: In summary, the available evidence is currently insufficient to determine the role of this variant in disease. Therefore, it has been classified as a Variant of Uncertain Significance. Algorithms developed to predict the effect of missense changes on protein structure and function are either unavailable or do not agree on the potential impact of this missense change (SIFT: "Tolerated"; PolyPhen-2: "Probably Damaging"; Align-GVGD: "Class C0"). This variant has not been reported in the literature in individuals affected with MYPN-related conditions. This variant is present in population databases (no rsID available, gnomAD 0.003%). This sequence change replaces arginine, which is basic and polar, with leucine, which is neutral and non-polar, at codon 1044 of the MYPN protein (p.Arg1044Leu).